The following is an entry in ClinVar:

ClinVar aggregate classification (germline): Likely benign (1 of 4 stars; one submission).

gnomAD v4.1: 2 of 1,210,565 alleles (0.00017%); highest among the groups gnomAD compares: South Asian, 0.0035%; no homozygotes.

Submission:

CeGaT Center for Human Genetics Tuebingen
Classification: Likely benign. Last evaluated: 2025-11-01. Review status: criteria provided, single submitter. Criteria: CeGaT Center For Human Genetics Tuebingen Variant Classification Criteria Version 2. Collection method: clinical testing. Allele origin: germline. Affected: yes. Observed: 1 variant allele.
Comment: NDUFA1: BP4

NM_004541.4(NDUFA1):c.161T>C (p.Ile54Thr)

Gene: NDUFA1 (NADH:ubiquinone oxidoreductase subunit A1; plus strand). Cytogenetic location: Xq24.
Variant type: single nucleotide variant.
Coding change: c.161T>C on transcript NM_004541.4 (MANE Select); coding-DNA position 161, T replaced by C.
Protein change: p.Ile54Thr; replaces isoleucine 54 with threonine.
Molecular consequence: missense variant.
Genome position (GRCh38, 1-based): chrX:119,873,362, T>C. VCF-style: chrX-119873362-T-C. GRCh37 (hg19) VCF-style: chrX-119007325-T-C.
Other names: short protein forms I54T.
Identifiers: ClinVar variation 4535314 (VCV004535314.6).